The following is an entry in ClinVar:

NM_001267550.2(TTN):c.6062G>T (p.Arg2021Leu)

Gene: TTN (titin; minus strand). Cytogenetic location: 2q31.2.
Variant type: single nucleotide variant.
Coding change: c.6062G>T on transcript NM_001267550.2 (MANE Select); coding-DNA position 6062, G replaced by T.
Protein change: p.Arg2021Leu; replaces arginine 2021 with leucine.
Molecular consequence: missense variant.
Genome position (GRCh38, 1-based): chr2:178,775,802, C>A on the plus strand (G>T on the coding strand, the complement: TTN is on the minus strand). VCF-style: chr2-178775802-C-A. GRCh37 (hg19) VCF-style: chr2-179640529-C-A.
Other names: c.6062G>T, p.Arg2021Leu (NM_001256850.1, NM_133378.4, NM_133379.5); c.5924G>T, p.Arg1975Leu (NM_003319.4, NM_133432.3, NM_133437.4); short protein forms R1975L, R2021L.
Identifiers: ClinVar variation 1750525 (VCV001750525.2), dbSNP rs150884428, ClinGen allele CA2005107.

ClinVar aggregate classification (germline): Uncertain significance (1 of 4 stars; one submission).

Conditions:
Cardiovascular phenotype. Identifiers: MedGen CN230736.

Allele frequency attached by ClinVar (database versions not stated): ESP Exome Variant Server 0.00008.
gnomAD v4.1: 79 of 1,613,574 alleles (0.0049%); highest among the groups gnomAD compares: Non-Finnish European, 0.0064%; no homozygotes.

Submission:

Ambry Genetics
Classification: Uncertain significance for Cardiovascular phenotype. Last evaluated: 2019-11-27. Review status: criteria provided, single submitter. Criteria: Ambry Variant Classification Scheme 2023. Collection method: clinical testing. Allele origin: germline.
Comment: The p.R1975L variant (also known as c.5924G>T), located in coding exon 26 of the TTN gene, results from a G to T substitution at nucleotide position 5924. The arginine at codon 1975 is replaced by leucine, an amino acid with dissimilar properties. This amino acid position is highly conserved in available vertebrate species. In addition, the in silico prediction for this alteration is inconclusive. Since supporting evidence is limited at this time, the clinical significance of this alteration remains unclear.